The following is an entry in ClinVar:

NM_017617.5(NOTCH1):c.4046C>T (p.Ala1349Val)

Gene: NOTCH1 (notch receptor 1; minus strand). Cytogenetic location: 9q34.3.
Variant type: single nucleotide variant.
Coding change: c.4046C>T on transcript NM_017617.5 (MANE Select); coding-DNA position 4046, C replaced by T.
Protein change: p.Ala1349Val; replaces alanine 1349 with valine.
Molecular consequence: missense variant.
Genome position (GRCh38, 1-based): chr9:136,505,850, G>A on the plus strand (C>T on the coding strand, the complement: NOTCH1 is on the minus strand). VCF-style: chr9-136505850-G-A. GRCh37 (hg19) VCF-style: chr9-139400302-G-A.
Other names: c.4046C>T, p.Ala1349Val (LRG_1122t1); short protein forms A1349V.
Identifiers: ClinVar variation 567804 (VCV000567804.9), dbSNP rs752951296, ClinGen allele CA5340701.
Genomic context (GRCh38, chr9:136,505,850, plus strand): 5'-CTGCGCGGGCCGGAGATGCATGTGCCGCCGTTGAGGCAGCGCAGGCTGCCGCAGGTACGA[G>A]CGTCATTCTCACACGTGGCGCCCTCGAAGCCCTGCCCGAGAGGGAAGACAGGACGGTGTC-3'
Protein context (NP_060087.3, residues 1339-1359): GFEGATCEND[Ala1349Val]RTCGSLRCLN

ClinVar aggregate classification (germline): Conflicting classifications of pathogenicity. Review status: criteria provided, conflicting classifications (1 of 4 stars). 2 submissions from 2 submitters: Uncertain significance (1); Benign (1). Last evaluated 2024-01-29.

Conditions:
Familial thoracic aortic aneurysm and aortic dissection (TAAD). Also called: Thoracic aortic aneurysms and dissections. Identifiers: Orphanet 91387, MedGen C4707243, MONDO:0019625.
Adams-Oliver syndrome 5 (AOS5). Identifiers: Orphanet 974, MedGen C4014970, MONDO:0014459, OMIM 616028.

Allele frequency attached by ClinVar (database versions not stated): gnomAD exomes 0.00003 and 0.00005; ExAC 0.00008.
gnomAD v4.1: 17 of 1,595,358 alleles (0.0011%); highest among the groups gnomAD compares: East Asian, 0.034%; no homozygotes.

Submissions (2):

Ambry Genetics
Classification: Uncertain significance for Familial thoracic aortic aneurysm and aortic dissection. Last evaluated: 2024-01-29. Review status: criteria provided, single submitter. Criteria: Ambry Variant Classification Scheme 2023. Collection method: clinical testing. Allele origin: germline.
Comment: The p.A1349V variant (also known as c.4046C>T), located in coding exon 25 of the NOTCH1 gene, results from a C to T substitution at nucleotide position 4046. The alanine at codon 1349 is replaced by valine, an amino acid with similar properties. This amino acid position is conserved. In addition, this alteration is predicted to be tolerated by in silico analysis. Based on the available evidence, the clinical significance of this alteration remains unclear.

Labcorp Genetics (formerly Invitae), Labcorp
Classification: Benign for Adams-Oliver syndrome 5. Last evaluated: 2022-12-06. Review status: criteria provided, single submitter. Criteria: Invitae Variant Classification Sherloc (09022015). Collection method: clinical testing. Allele origin: germline.